The following is an entry in ClinVar:

ClinVar aggregate classification (germline): Benign (1 of 4 stars; one submission).

Conditions:
Familial cancer of breast. Also called: BREAST CANCER, FAMILIAL; Hereditary breast cancer; hereditary breast carcinoma. Identifiers: Orphanet 227535, MedGen C0346153, MONDO:0016419, OMIM 114480. Disease mechanism: loss of function.

Submission:

Myriad Genetics, Inc.
Classification: Benign for Familial cancer of breast. Last evaluated: 2024-05-16. Review status: criteria provided, single submitter. Criteria: Myriad Autosomal Dominant, Autosomal Recessive and X-Linked Classification Criteria (2023). Collection method: clinical testing. Allele origin: unknown.
Comment: This variant is considered benign. This variant is a silent/synonymous amino acid change and it is not expected to impact splicing.

NM_000051.4(ATM):c.4128T>C (p.Pro1376=)

Gene: ATM (ATM serine/threonine kinase; plus strand). Cytogenetic location: 11q22.3.
Variant type: single nucleotide variant.
Coding change: c.4128T>C on transcript NM_000051.4 (MANE Select); coding-DNA position 4128, T replaced by C.
Protein change: p.Pro1376=; no amino-acid change (proline 1376 retained).
Molecular consequence: synonymous variant.
Genome position (GRCh38, 1-based): chr11:108,288,995, T>C. VCF-style: chr11-108288995-T-C. GRCh37 (hg19) VCF-style: chr11-108159722-T-C.
Other names: c.4128T>C, p.Pro1376= (NM_001351834.2).
Identifiers: ClinVar variation 3253818 (VCV003253818.1), dbSNP rs2135750893.